The following is an entry in ClinVar:

NM_006269.2(RP1):c.3632del (p.Asn1211fs)

Gene: RP1 (RP1 axonemal microtubule associated; plus strand). Cytogenetic location: 8q12.1.
Variant type: Deletion.
Coding change: c.3632del on transcript NM_006269.2 (MANE Select); coding-DNA position 3632, one base deleted (A; older notation c.3632delA).
Protein change: p.Asn1211fs; shifts the reading frame from asparagine 1211.
Molecular consequence: frameshift variant. On other transcripts: intron variant (1).
Genome position (GRCh38, 1-based): chr8:54,627,514, A deleted; the last of 3 consecutive A bases (chr8:54,627,512-54,627,514); deleting any one gives the same sequence. VCF-style (leftmost placement, unchanged base first): chr8-54627511-CA-C. GRCh37 (hg19) VCF-style: chr8-55540071-CA-C.
Other names: c.787+5226del (NM_001375654.1); short protein forms N1211fs.
Identifiers: ClinVar variation 934856 (VCV000934856.9), dbSNP rs1806099964, ClinGen allele CA1139660539.

ClinVar aggregate classification (germline): Pathogenic (1 of 4 stars; one submission).

Submission:

Labcorp Genetics (formerly Invitae), Labcorp
Classification: Pathogenic. Last evaluated: 2020-12-04. Review status: criteria provided, single submitter. Criteria: Invitae Variant Classification Sherloc (09022015). Collection method: clinical testing. Allele origin: germline.
Comment: For these reasons, this variant has been classified as Pathogenic. This variant disrupts the C-terminus of the RP1 protein. Many variants that disrupt this region have been reported in individuals with either autosomal dominant or autosomal recessive retinitis pigmentosa (PMID: 11527933, 19933189, 29425069, 30027431). Therefore, variants that disrupt this region are expected to be disease-causing. This variant has been observed in individual(s) with retinitis pigmentosa (Invitae). This variant is not present in population databases (ExAC no frequency). This sequence change creates a premature translational stop signal (p.Asn1211Ilefs*44) in the RP1 gene. While this is not anticipated to result in nonsense mediated decay, it is expected to disrupt the last 946 amino acid(s) of the RP1 protein.

Literature cited by the submitters: PubMed 11527933; PubMed 19933189; PubMed 29425069; PubMed 30027431.